The following is an entry in ClinVar:

ClinVar aggregate classification (germline): Uncertain significance (1 of 4 stars; one submission).

Conditions:
Glycogen storage disease type III (GSD3). Also called: Cori disease; FORBES DISEASE. Identifiers: Orphanet 366, MedGen C0017922, MONDO:0009291, OMIM 232400.

Allele frequency attached by ClinVar (database versions not stated): gnomAD 0.00001; gnomAD exomes 0.00001.

Submission:

Labcorp Genetics (formerly Invitae), Labcorp
Classification: Uncertain significance for Glycogen storage disease type III. Last evaluated: 2025-02-25. Review status: criteria provided, single submitter. Criteria: Invitae Variant Classification Sherloc (09022015). Collection method: clinical testing. Allele origin: germline.
Comment: This sequence change replaces arginine, which is basic and polar, with glutamine, which is neutral and polar, at codon 408 of the AGL protein (p.Arg408Gln). This variant is present in population databases (no rsID available, gnomAD 0.03%). This variant has not been reported in the literature in individuals affected with AGL-related conditions. ClinVar contains an entry for this variant (Variation ID: 2070065). Invitae Evidence Modeling of protein sequence and biophysical properties (such as structural, functional, and spatial information, amino acid conservation, physicochemical variation, residue mobility, and thermodynamic stability) indicates that this missense variant is expected to disrupt AGL protein function with a positive predictive value of 80%. Algorithms developed to predict the effect of sequence changes on RNA splicing suggest that this variant may disrupt the consensus splice site. In summary, the available evidence is currently insufficient to determine the role of this variant in disease. Therefore, it has been classified as a Variant of Uncertain Significance.

NM_000642.3(AGL):c.1223G>A (p.Arg408Gln)

Gene: AGL (amylo-alpha-1,6-glucosidase and 4-alpha-glucanotransferase; plus strand). Cytogenetic location: 1p21.2.
Variant type: single nucleotide variant.
Coding change: c.1223G>A on transcript NM_000642.3 (MANE Select); coding-DNA position 1223, G replaced by A.
Protein change: p.Arg408Gln; replaces arginine 408 with glutamine.
Molecular consequence: missense variant.
Genome position (GRCh38, 1-based): chr1:99,875,395, G>A. VCF-style: chr1-99875395-G-A. GRCh37 (hg19) VCF-style: chr1-100340951-G-A.
Other names: c.1223G>A, p.Arg408Gln (NM_000028.3, NM_000643.3, NM_000644.3 and 2 more transcripts); c.1175G>A, p.Arg392Gln (NM_000646.3); c.1019G>A, p.Arg340Gln (NM_001425328.1, NM_001425329.1); c.845G>A, p.Arg282Gln (NM_001425332.1); short protein forms R392Q, R408Q, R282Q, R340Q.
Identifiers: ClinVar variation 2070065 (VCV002070065.2), dbSNP rs1438969038, ClinGen allele CA341345380.